The following is an entry in ClinVar:

ClinVar aggregate classification (germline): Uncertain significance (1 of 4 stars; one submission).

Submission:

GeneDx
Classification: Uncertain significance. Last evaluated: 2023-11-05. Review status: criteria provided, single submitter. Criteria: GeneDx Variant Classification Process June 2021. Collection method: clinical testing. Allele origin: germline. Affected: yes.
Comment: Not observed at significant frequency in large population cohorts (gnomAD); In silico analysis supports that this missense variant has a deleterious effect on protein structure/function; Has not been previously published as pathogenic or benign to our knowledge

NM_001005273.3(CHD3):c.1264C>T (p.His422Tyr)

Genes: CHD3 (chromodomain helicase DNA binding protein 3; plus strand), LOC126862484 (CDK7 strongly-dependent group 2 enhancer GRCh37_chr17:7797066-7798265; plus strand). Cytogenetic location: 17p13.1.
Variant type: single nucleotide variant.
Coding change: c.1264C>T on transcript NM_001005273.3 (MANE Select); coding-DNA position 1264, C replaced by T.
Protein change: p.His422Tyr; replaces histidine 422 with tyrosine.
Molecular consequence: missense variant.
Genome position (GRCh38, 1-based): chr17:7,894,603, C>T. VCF-style: chr17-7894603-C-T. GRCh37 (hg19) VCF-style: chr17-7797921-C-T.
Other names: c.1441C>T, p.His481Tyr (NM_001005271.3); c.1264C>T, p.His422Tyr (NM_005852.4); short protein forms H422Y, H481Y.
Identifiers: ClinVar variation 3363639 (VCV003363639.1).
Genomic context (GRCh38, chr17:7,894,603, plus strand): 5'-CACCTCGTCTGCCTTGATCCTGAGCTTGACCGGGCTCCAGAGGGCAAATGGAGCTGCCCT[C>T]ACTGTGTGAGTACCTAATGCCAGCATCTGATGGCCCTGAGGAACCCACCCATCTCTTTCC-3'
Protein context (NP_001005273.1, residues 412-432): RAPEGKWSCP[His422Tyr]CEKEGVQWEA